The following is an entry in ClinVar:

NM_004360.5(CDH1):c.2020A>T (p.Asn674Tyr)

Gene: CDH1 (cadherin 1; plus strand). Cytogenetic location: 16q22.1.
Variant type: single nucleotide variant.
Coding change: c.2020A>T on transcript NM_004360.5 (MANE Select); coding-DNA position 2020, A replaced by T.
Protein change: p.Asn674Tyr; replaces asparagine 674 with tyrosine.
Molecular consequence: missense variant.
Genome position (GRCh38, 1-based): chr16:68,823,482, A>T. VCF-style: chr16-68823482-A-T. GRCh37 (hg19) VCF-style: chr16-68857385-A-T.
Other names: p.N674Y:AAT>TAT; NM_004360.5(CDH1):c.2020A>T; p.Asn674Tyr; c.2020A>T (LRG_301t1); c.1837A>T, p.Asn613Tyr (NM_001317184.2); c.472A>T, p.Asn158Tyr (NM_001317185.2); c.55A>T, p.Asn19Tyr (NM_001317186.2); short protein forms N674Y, N19Y, N158Y, N613Y.
Identifiers: ClinVar variation 136063 (VCV000136063.29), dbSNP rs201637081, ClinGen allele CA294385.

ClinVar aggregate classification (germline): Likely benign. Review status: reviewed by expert panel (3 of 4 stars). 10 submissions from 10 submitters: Likely benign (1). 9 of the submissions do not count toward it. Last evaluated 2023-08-03.

Conditions:
CDH1-related diffuse gastric and lobular breast cancer syndrome. Also called: CDH1-related diffuse gastric and lobular breast cancer. Identifiers: MedGen CN311521, MONDO:0100488.
Hereditary cancer-predisposing syndrome. Also called: Tumor predisposition; Hereditary neoplastic syndrome; Neoplastic Syndromes, Hereditary; Hereditary Cancer Syndrome. Identifiers: Orphanet 140162, MedGen C0027672, MeSH D009386, MONDO:0015356.
Hereditary diffuse gastric adenocarcinoma (HDGC). Also called: DIFFUSE GASTRIC AND LOBULAR BREAST CANCER SYNDROME. Identifiers: Orphanet 26106, MedGen C1708349, MONDO:0007648, OMIM 137215.

Allele frequency attached by ClinVar (database versions not stated): ExAC 0.00012; TOPMed 0.00002; gnomAD 0.00003 and 0.00004; gnomAD exomes 0.00003 and 0.00008.

Submissions (10):

Clingen Gastric Cancer Variant Curation Expert Panel
Classification: Likely benign for CDH1-related diffuse gastric and lobular breast cancer syndrome. Last evaluated: 2023-08-03. Review status: reviewed by expert panel. Criteria: ClinGen CDH1 ACMG Specifications V3.1. Collection method: curation. Allele origin: germline. Inheritance: Autosomal dominant inheritance.
Comment: The NM_004360.5(CDH1):c.2020A>T (p.Asn674Tyr) variant has been observed in >10 individuals without a diagnosis of diffuse gastric cancer, signet ring tumor or lobular breast cancer and whose family histories do not suggest HDGC (BS2; internal laboratory contributors). In summary, the clinical significance of this variant is classified as likely benign based on BS2 alone. ACMG/AMP criteria applied, as specified by the CDH1 Variant Curation Expert Panel: BS2. (CDH1 VCEP specifications version 3.1; 06/26/2023)

Labcorp Genetics (formerly Invitae), Labcorp
Classification: Likely benign for Hereditary diffuse gastric adenocarcinoma. Last evaluated: 2026-02-04. Review status: criteria provided, single submitter. Criteria: Invitae Variant Classification Sherloc (09022015). Collection method: clinical testing. Allele origin: germline. Not counted in ClinVar's aggregate classification.

Center for Genomic Medicine, Rigshospitalet, Copenhagen University Hospital
Classification: Likely benign. Last evaluated: 2025-03-04. Review status: criteria provided, single submitter. Criteria: ACMG Guidelines, 2015. Collection method: clinical testing. Allele origin: germline. Not counted in ClinVar's aggregate classification.

Color Diagnostics, LLC DBA Color Health
Classification: Uncertain significance for Hereditary cancer-predisposing syndrome. Last evaluated: 2023-12-05. Review status: criteria provided, single submitter. Criteria: ACMG Guidelines, 2015. Collection method: clinical testing. Allele origin: germline. Not counted in ClinVar's aggregate classification.
Comment: This missense variant replaces asparagine with tyrosine at codon 674 of the CDH1 protein. To our knowledge, functional studies have not been reported for this variant. This variant has not been reported in individuals affected with hereditary cancer in the literature. This variant has been identified in 25/282876 chromosomes in the general population by the Genome Aggregation Database (gnomAD). The available evidence is insufficient to determine the role of this variant in disease conclusively. Therefore, this variant is classified as a Variant of Uncertain Significance.

Myriad Genetics, Inc.
Classification: Uncertain significance for Hereditary diffuse gastric adenocarcinoma. Last evaluated: 2023-03-06. Review status: criteria provided, single submitter. Criteria: Myriad Autosomal Dominant, Autosomal Recessive and X-Linked Classification Criteria (2023). Collection method: clinical testing. Allele origin: unknown. Not counted in ClinVar's aggregate classification.
Comment: This variant is classified as a variant of uncertain significance as there is insufficient evidence to determine its impact on protein function and/or cancer risk.

Sema4
Classification: Likely benign for Hereditary cancer-predisposing syndrome. Last evaluated: 2021-12-08. Review status: criteria provided, single submitter. Criteria: Sema4 Curation Guidelines. Collection method: curation. Allele origin: germline. Not counted in ClinVar's aggregate classification.

GeneDx
Classification: Uncertain significance. Last evaluated: 2021-10-20. Review status: criteria provided, single submitter. Criteria: GeneDx Variant Classification Process June 2021. Collection method: clinical testing. Allele origin: germline. Affected: yes. Not counted in ClinVar's aggregate classification.
Comment: In silico analysis supports that this missense variant has a deleterious effect on protein structure/function; Has not been previously published as pathogenic or benign to our knowledge; This variant is associated with the following publications: (PMID: no PMID, 22850631, 15235021)

Women's Health and Genetics/Laboratory Corporation of America, LabCorp
Classification: Likely benign. Last evaluated: 2020-10-05. Review status: criteria provided, single submitter. Criteria: LabCorp Variant Classification Summary - May 2015. Collection method: clinical testing. Allele origin: germline. Not counted in ClinVar's aggregate classification.
Comment: Variant summary: CDH1 c.2020A>T (p.Asn674Tyr) results in a non-conservative amino acid change located in the Cadherin-like domain (IPR002126) of the encoded protein sequence. Three of five in-silico tools predict a benign effect of the variant on protein function. The variant allele was found at a frequency of 8.4e-05 in 251484 control chromosomes, predominantly at a frequency of 0.00011 within the Non-Finnish European subpopulation in the gnomAD database. The observed variant frequency within Non-Finnish European control individuals in the gnomAD database is approximately 4-fold of the estimated maximal expected allele frequency for a pathogenic variant in CDH1 causing Hereditary Diffuse Gastric Cancer phenotype (2.8e-05), strongly suggesting that the variant is a benign polymorphism found primarily in populations of Non-Finnish European origin. To our knowledge, no occurrence of c.2020A>T in individuals affected with Hereditary Diffuse Gastric Cancer and no experimental evidence demonstrating its impact on protein function have been reported. Four ClinVar submitters (evaluation after 2014) cite the variant as uncertain significance and one ClinVar submitter (evaluation after 2014) cites the variant as likely benign. Based on the evidence outlined above, the variant was classified as likely benign.

Ambry Genetics
Classification: Likely benign for Hereditary cancer-predisposing syndrome. Last evaluated: 2018-07-25. Review status: criteria provided, single submitter. Criteria: Ambry Variant Classification Scheme 2023. Collection method: clinical testing. Allele origin: germline. Not counted in ClinVar's aggregate classification.

Counsyl
Classification: Uncertain significance for Hereditary diffuse gastric adenocarcinoma. Last evaluated: 2017-12-08. Review status: no assertion criteria provided. Collection method: clinical testing. Allele origin: unknown. Not counted in ClinVar's aggregate classification.